The following is an entry in ClinVar:

NM_014159.7(SETD2):c.1622G>A (p.Arg541Gln)

Gene: SETD2 (SET domain containing 2, histone lysine methyltransferase; minus strand). Cytogenetic location: 3p21.31.
Variant type: single nucleotide variant.
Coding change: c.1622G>A on transcript NM_014159.7 (MANE Select); coding-DNA position 1622, G replaced by A.
Protein change: p.Arg541Gln; replaces arginine 541 with glutamine.
Molecular consequence: missense variant. On other transcripts: non-coding transcript variant (1).
Genome position (GRCh38, 1-based): chr3:47,123,014, C>T on the plus strand (G>A on the coding strand, the complement: SETD2 is on the minus strand). VCF-style: chr3-47123014-C-T. GRCh37 (hg19) VCF-style: chr3-47164504-C-T.
Other names: c.1490G>A, p.Arg497Gln (NM_001349370.3); short protein forms R497Q, R541Q.
Identifiers: ClinVar variation 1169273 (VCV001169273.8), dbSNP rs144677816, ClinGen allele CA2363654.

ClinVar aggregate classification (germline): Benign/Likely benign. Review status: criteria provided, multiple submitters, no conflicts (2 of 4 stars). 2 submissions from 2 submitters: Benign (1); Likely benign (1). Last evaluated 2026-09-01.

Conditions:
Luscan-Lumish syndrome. Identifiers: Orphanet 597738, MedGen C4085873, MONDO:0014791, OMIM 616831.

Allele frequency attached by ClinVar (database versions not stated): gnomAD 0.00005 and 0.00006; ExAC 0.00006; TOPMed 0.00006; ESP Exome Variant Server 0.00008; gnomAD exomes 0.00008.

Submissions (2):

CeGaT Center for Human Genetics Tuebingen
Classification: Likely benign. Last evaluated: 2026-09-01. Review status: criteria provided, single submitter. Criteria: CeGaT Center For Human Genetics Tuebingen Variant Classification Criteria Version 2. Collection method: clinical testing. Allele origin: germline. Affected: yes. Observed: 1 variant allele.
Comment: SETD2: BP4, BS2

Labcorp Genetics (formerly Invitae), Labcorp
Classification: Benign for Luscan-Lumish syndrome. Last evaluated: 2020-08-25. Review status: criteria provided, single submitter. Criteria: Invitae Variant Classification Sherloc (09022015). Collection method: clinical testing. Allele origin: germline.